The following is an entry in ClinVar:

NM_007220.4(CA5B):c.602C>G (p.Pro201Arg)

Genes: CA5B (carbonic anhydrase 5B; plus strand), CA5BP1-CA5B (CA5BP1-CA5B readthrough; plus strand). Cytogenetic location: Xp22.2.
Variant type: single nucleotide variant.
Coding change: c.602C>G on transcript NM_007220.4 (MANE Select); coding-DNA position 602, C replaced by G.
Protein change: p.Pro201Arg; replaces proline 201 with arginine.
Molecular consequence: missense variant. On other transcripts: non-coding transcript variant (1).
Genome position (GRCh38, 1-based): chrX:15,775,292, C>G. VCF-style: chrX-15775292-C-G. GRCh37 (hg19) VCF-style: chrX-15793415-C-G.
Other names: short protein forms P201R.
Identifiers: ClinVar variation 5033567 (VCV005033567.1).

ClinVar aggregate classification (germline): Uncertain significance (1 of 4 stars; one submission).

gnomAD v4.1: 9 of 1,196,985 alleles (0.00075%); highest among the groups gnomAD compares: African/African-American, 0.0018%; no homozygotes.

Submission:

Ambry Genetics
Classification: Uncertain significance. Last evaluated: 2026-08-13. Review status: criteria provided, single submitter. Criteria: Ambry Variant Classification Scheme 2023. Collection method: clinical testing. Allele origin: germline.
Comment: The c.602C>G (p.P201R) alteration is located in exon 6 (coding exon 5) of the CA5B gene. This alteration results from a C to G substitution at nucleotide position 602, causing the proline (P) at amino acid position 201 to be replaced by an arginine (R). Based on data from gnomAD, the G allele has an overall frequency of 0.005% (1/22107) total alleles studied. The highest observed frequency was 0.017% (1/5946) of African alleles. Based on insufficient or conflicting evidence, the clinical significance of this alteration remains unclear.